The following is an entry in ClinVar:

NM_017777.4(MKS1):c.162G>C (p.Leu54Phe)

Gene: MKS1 (MKS transition zone complex subunit 1; minus strand). Cytogenetic location: 17q22.
Variant type: single nucleotide variant.
Coding change: c.162G>C on transcript NM_017777.4 (MANE Select); coding-DNA position 162, G replaced by C.
Protein change: p.Leu54Phe; replaces leucine 54 with phenylalanine.
Molecular consequence: missense variant. On other transcripts: 5 prime UTR variant (1).
Genome position (GRCh38, 1-based): chr17:58,218,648, C>G on the plus strand (G>C on the coding strand, the complement: MKS1 is on the minus strand). VCF-style: chr17-58218648-C-G. GRCh37 (hg19) VCF-style: chr17-56296009-C-G.
Other names: c.-350G>C (NM_001321268.2); c.162G>C, p.Leu54Phe (NM_001321269.2, NM_001330397.2, NM_001411113.1); short protein forms L54F.
Identifiers: ClinVar variation 2005323 (VCV002005323.4), dbSNP rs2509465694, ClinGen allele CA400327913.

ClinVar aggregate classification (germline): Uncertain significance (1 of 4 stars; one submission).

Conditions:
Joubert syndrome. Also called: CEREBELLOPARENCHYMAL DISORDER IV; JOUBERT-BOLTSHAUSER SYNDROME; Familial aplasia of the vermis. Identifiers: Orphanet 475, MedGen C5979921, MONDO:0018772.
Meckel-Gruber syndrome. Also called: DYSENCEPHALIA SPLANCHNOCYSTICA; GRUBER SYNDROME; Dysencephalia splachnocystica. Identifiers: Orphanet 564, MedGen C0265215, MONDO:0018921.

Submission:

Labcorp Genetics (formerly Invitae), Labcorp
Classification: Uncertain significance for Joubert syndrome; Meckel-Gruber syndrome. Last evaluated: 2022-06-12. Review status: criteria provided, single submitter. Criteria: Invitae Variant Classification Sherloc (09022015). Collection method: clinical testing. Allele origin: germline.
Comment: In summary, the available evidence is currently insufficient to determine the role of this variant in disease. Therefore, it has been classified as a Variant of Uncertain Significance. Algorithms developed to predict the effect of sequence changes on RNA splicing suggest that this variant may create or strengthen a splice site. Advanced modeling of protein sequence and biophysical properties (such as structural, functional, and spatial information, amino acid conservation, physicochemical variation, residue mobility, and thermodynamic stability) performed at Invitae indicates that this missense variant is not expected to disrupt MKS1 protein function. This variant has not been reported in the literature in individuals affected with MKS1-related conditions. This variant is not present in population databases (gnomAD no frequency). This sequence change replaces leucine, which is neutral and non-polar, with phenylalanine, which is neutral and non-polar, at codon 54 of the MKS1 protein (p.Leu54Phe).